The following is an entry in ClinVar:

ClinVar aggregate classification (germline): Pathogenic/Likely pathogenic. Review status: criteria provided, multiple submitters, no conflicts (2 of 4 stars). 5 submissions from 5 submitters: Pathogenic (2); Likely pathogenic (1). 2 of the submissions do not count toward it. Last evaluated 2024-01-26.

Conditions:
Martsolf syndrome 1. Identifiers: Orphanet 1387, MedGen C5542298, MONDO:8000008, OMIM 212720.
Martsolf syndrome (MARTS). Also called: Congenital cataract with intellectual disability and hypogonadotropic hypogonadism syndrome. Identifiers: Orphanet 1387, MedGen C0796037, MONDO:0023910.
Warburg micro syndrome 2 (WARBM2). Also called: MICRO SYNDROME 2. Identifiers: Orphanet 2510, MedGen C3280214, MONDO:0013641, OMIM 614225.

Allele frequency attached by ClinVar (database versions not stated): gnomAD 0.00001; gnomAD exomes 0.00001 and 0.00002; TOPMed 0.00002; ExAC 0.00003.
gnomAD v4.1: 15 of 1,551,246 alleles (0.00097%); highest among the groups gnomAD compares: Admixed American, 0.0053%; no homozygotes.

Submissions (5):

Labcorp Genetics (formerly Invitae), Labcorp
Classification: Pathogenic for Martsolf syndrome; Warburg micro syndrome 2. Last evaluated: 2024-01-26. Review status: criteria provided, single submitter. Criteria: Invitae Variant Classification Sherloc (09022015). Collection method: clinical testing. Allele origin: germline.
Comment: This sequence change replaces arginine, which is basic and polar, with cysteine, which is neutral and slightly polar, at codon 426 of the RAB3GAP2 protein (p.Arg426Cys). This variant is present in population databases (rs587777167, gnomAD 0.009%). This missense change has been observed in individual(s) with clinical features of Martsolf syndrome (PMID: 23420520; Invitae). In at least one individual the data is consistent with being in trans (on the opposite chromosome) from a pathogenic variant. ClinVar contains an entry for this variant (Variation ID: 100787). Advanced modeling of protein sequence and biophysical properties (such as structural, functional, and spatial information, amino acid conservation, physicochemical variation, residue mobility, and thermodynamic stability) performed at Invitae indicates that this missense variant is expected to disrupt RAB3GAP2 protein function with a positive predictive value of 80%. Experimental studies have shown that this missense change affects RAB3GAP2 function (PMID: 24891604). For these reasons, this variant has been classified as Pathogenic.

Baylor Genetics
Classification: Pathogenic for Martsolf syndrome 1; Warburg micro syndrome 2. Last evaluated: 2018-10-12. Review status: criteria provided, single submitter. Criteria: ACMG Guidelines, 2015. Collection method: clinical testing. Allele origin: germline. Affected: yes.

Genomic Research Center, Shahid Beheshti University of Medical Sciences
Classification: Likely pathogenic for Martsolf syndrome. Last evaluated: 2017-12-03. Review status: criteria provided, single submitter. Criteria: ACMG Guidelines, 2015. Collection method: clinical testing. Allele origin: inherited. Affected: yes.

OMIM
Classification: Pathogenic for MARTSOLF SYNDROME 1. Last evaluated: 2013-05-01. Review status: no assertion criteria provided. Collection method: literature only. Allele origin: germline. Not counted in ClinVar's aggregate classification.

GeneReviews
No classification provided. Condition: Martsolf syndrome. Review status: no classification provided. Collection method: literature only. Allele origin: germline. Not counted in ClinVar's aggregate classification.

Literature cited by the submitters: PubMed 23420520 (cited by 3 submitters); PubMed 24891604 (cited by Labcorp Genetics (formerly Invitae), Labcorp and GeneReviews); PubMed 29300443 (cited by GeneReviews).

NM_012414.4(RAB3GAP2):c.1276C>T (p.Arg426Cys)

Gene: RAB3GAP2 (RAB3 GTPase activating non-catalytic protein subunit 2; minus strand). Cytogenetic location: 1q41.
Variant type: single nucleotide variant.
Coding change: c.1276C>T on transcript NM_012414.4 (MANE Select); coding-DNA position 1276, C replaced by T.
Protein change: p.Arg426Cys; replaces arginine 426 with cysteine.
Molecular consequence: missense variant.
Genome position (GRCh38, 1-based): chr1:220,191,279, G>A on the plus strand (C>T on the coding strand, the complement: RAB3GAP2 is on the minus strand). VCF-style: chr1-220191279-G-A. GRCh37 (hg19) VCF-style: chr1-220364621-G-A.
Other names: short protein forms R426C.
Identifiers: ClinVar variation 100787 (VCV000100787.16), dbSNP rs587777167, ClinGen allele CA150652.